The following is an entry in ClinVar:

NM_001194998.2(CEP152):c.2790G>C (p.Lys930Asn)

Gene: CEP152 (centrosomal protein 152; minus strand). Cytogenetic location: 15q21.1.
Variant type: single nucleotide variant.
Coding change: c.2790G>C on transcript NM_001194998.2 (MANE Select); coding-DNA position 2790, G replaced by C.
Protein change: p.Lys930Asn; replaces lysine 930 with asparagine.
Molecular consequence: missense variant.
Genome position (GRCh38, 1-based): chr15:48,756,458, C>G on the plus strand (G>C on the coding strand, the complement: CEP152 is on the minus strand). VCF-style: chr15-48756458-C-G. GRCh37 (hg19) VCF-style: chr15-49048655-C-G.
Other names: c.2790G>C, p.Lys930Asn (NM_014985.4); c.2790G>C (NM_014985.3); short protein forms K930N.
Identifiers: ClinVar variation 2229610 (VCV002229610.6), dbSNP rs552953431, ClinGen allele CA7548474.

ClinVar aggregate classification (germline): Uncertain significance. Review status: criteria provided, multiple submitters, no conflicts (2 of 4 stars). 3 submissions from 3 submitters: Uncertain significance (3). Last evaluated 2022-10-07.

Conditions:
Inborn genetic diseases. Identifiers: MedGen C0950123, MeSH D030342.

Allele frequency attached by ClinVar (database versions not stated): gnomAD 0.00004; 1000 Genomes Project 30x 0.00016; 1000 Genomes Project 0.00020.
gnomAD v4.1: 65 of 1,613,578 alleles (0.004%); highest among the groups gnomAD compares: South Asian, 0.065%; no homozygotes.

Submissions (3):

Blueprint Genetics
Classification: Uncertain significance. Last evaluated: 2022-10-07. Review status: criteria provided, single submitter. Criteria: ACMG Guidelines, 2015. Collection method: clinical testing. Allele origin: germline.

Labcorp Genetics (formerly Invitae), Labcorp
Classification: Uncertain significance. Last evaluated: 2022-04-29. Review status: criteria provided, single submitter. Criteria: Invitae Variant Classification Sherloc (09022015). Collection method: clinical testing. Allele origin: germline.
Comment: This sequence change replaces lysine, which is basic and polar, with asparagine, which is neutral and polar, at codon 930 of the CEP152 protein (p.Lys930Asn). This variant is present in population databases (rs552953431, gnomAD 0.04%). This variant has not been reported in the literature in individuals affected with CEP152-related conditions. Algorithms developed to predict the effect of missense changes on protein structure and function are either unavailable or do not agree on the potential impact of this missense change (SIFT: "Deleterious"; PolyPhen-2: "Probably Damaging"; Align-GVGD: "Class C0"). In summary, the available evidence is currently insufficient to determine the role of this variant in disease. Therefore, it has been classified as a Variant of Uncertain Significance.

Ambry Genetics
Classification: Uncertain significance for Inborn genetic diseases. Last evaluated: 2021-03-09. Review status: criteria provided, single submitter. Criteria: Ambry Variant Classification Scheme 2023. Collection method: clinical testing. Allele origin: germline.
Comment: The c.2790G>C (p.K930N) alteration is located in exon 20 (coding exon 19) of the CEP152 gene. This alteration results from a G to C substitution at nucleotide position 2790, causing the lysine (K) at amino acid position 930 to be replaced by an asparagine (N). The p.K930N alteration is predicted to be tolerated by in silico analysis. Based on insufficient or conflicting evidence, the clinical significance of this alteration remains unclear.